The following is an entry in ClinVar:

ClinVar aggregate classification (germline): Uncertain significance (1 of 4 stars; one submission).

Conditions:
Hereditary cancer-predisposing syndrome. Also called: Hereditary Cancer Syndrome; Neoplastic Syndromes, Hereditary; Tumor predisposition; Hereditary neoplastic syndrome. Identifiers: Orphanet 140162, MedGen C0027672, MeSH D009386, MONDO:0015356.

Submission:

Ambry Genetics
Classification: Uncertain significance for Hereditary cancer-predisposing syndrome. Last evaluated: 2024-11-24. Review status: criteria provided, single submitter. Criteria: Ambry Variant Classification Scheme 2023. Collection method: clinical testing. Allele origin: germline.
Comment: The p.S171P variant (also known as c.511T>C), located in coding exon 3 of the XRCC2 gene, results from a T to C substitution at nucleotide position 511. The serine at codon 171 is replaced by proline, an amino acid with similar properties. This amino acid position is conserved. In addition, this alteration is predicted to be tolerated by in silico analysis. Since supporting evidence is limited at this time, the clinical significance of this alteration remains unclear.

NM_005431.2(XRCC2):c.511T>C (p.Ser171Pro)

Gene: XRCC2 (X-ray repair cross complementing 2; minus strand). Cytogenetic location: 7q36.1.
Variant type: single nucleotide variant.
Coding change: c.511T>C on transcript NM_005431.2 (MANE Select); coding-DNA position 511, T replaced by C.
Protein change: p.Ser171Pro; replaces serine 171 with proline.
Molecular consequence: missense variant.
Genome position (GRCh38, 1-based): chr7:152,648,974, A>G on the plus strand (T>C on the coding strand, the complement: XRCC2 is on the minus strand). VCF-style: chr7-152648974-A-G. GRCh37 (hg19) VCF-style: chr7-152346059-A-G.
Other names: short protein forms S171P.
Identifiers: ClinVar variation 1745474 (VCV001745474.3), dbSNP rs1590129454, ClinGen allele CA370198534.